The following is an entry in ClinVar:

ClinVar aggregate classification (germline): Likely benign (0 of 4 stars; one submission).

Conditions:
SERPIND1-related disorder. Also called: SERPIND1-related condition.

Allele frequency attached by ClinVar (database versions not stated): TOPMed 0.00006; ESP Exome Variant Server 0.00008; 1000 Genomes Project 30x 0.00016; 1000 Genomes Project 0.00020; gnomAD exomes 0.00025; gnomAD 0.00034; ExAC 0.00035.
gnomAD v4.1: 418 of 1,614,144 alleles (0.026%); highest among the groups gnomAD compares: Non-Finnish European, 0.015%; 2 homozygotes.

Submission:

PreventionGenetics, part of Exact Sciences
Classification: Likely benign for SERPIND1-related condition. Last evaluated: 2019-07-12. Review status: no assertion criteria provided. Collection method: clinical testing. Allele origin: germline.
Comment: This variant is classified as likely benign based on ACMG/AMP sequence variant interpretation guidelines (Richards et al. 2015 PMID: 25741868, with internal and published modifications).

NM_000185.4(SERPIND1):c.286G>A (p.Val96Ile)

Genes: PI4KA (phosphatidylinositol 4-kinase alpha; minus strand), SERPIND1 (serpin family D member 1; plus strand). Cytogenetic location: 22q11.21.
Variant type: single nucleotide variant.
Coding change: c.286G>A on transcript NM_000185.4 (MANE Select); coding-DNA position 286, G replaced by A.
Protein change: p.Val96Ile; replaces valine 96 with isoleucine.
Molecular consequence: missense variant. On other transcripts: intron variant (3).
Genome position (GRCh38, 1-based): chr22:20,779,598, G>A. VCF-style: chr22-20779598-G-A. GRCh37 (hg19) VCF-style: chr22-21133886-G-A.
Other names: c.2262+13595C>T (NM_001362863.2); c.2328+13595C>T (NM_001362862.2, NM_058004.4); short protein forms V96I.
Identifiers: ClinVar variation 3049326 (VCV003049326.2), dbSNP rs181925405, ClinGen allele CA10115850.